The following is an entry in ClinVar:

NM_020822.3(KCNT1):c.541-16C>G

Gene: KCNT1 (potassium sodium-activated channel subfamily T member 1; plus strand). Cytogenetic location: 9q34.3.
Variant type: single nucleotide variant.
Coding change: c.541-16C>G on transcript NM_020822.3 (MANE Select); 16 bases into the intron before coding-DNA position 541, C replaced by G.
Molecular consequence: intron variant.
Genome position (GRCh38, 1-based): chr9:135,756,857, C>G. VCF-style: chr9-135756857-C-G. GRCh37 (hg19) VCF-style: chr9-138648703-C-G.
Other names: c.397-16C>G (NM_001272003.2).
Identifiers: ClinVar variation 390976 (VCV000390976.1), dbSNP rs369006830, ClinGen allele CA16605712.

ClinVar aggregate classification (germline): Likely benign (1 of 4 stars; one submission).

Submission:

GeneDx
Classification: Likely benign. Last evaluated: 2016-11-14. Review status: criteria provided, single submitter. Criteria: GeneDx Variant Classification (06012015). Collection method: clinical testing. Allele origin: germline. Affected: yes.
Comment: This variant is considered likely benign or benign based on one or more of the following criteria: it is a conservative change, it occurs at a poorly conserved position in the protein, it is predicted to be benign by multiple in silico algorithms, and/or has population frequency not consistent with disease.